The following is an entry in ClinVar:

ClinVar aggregate classification (germline): Uncertain significance (1 of 4 stars; one submission).

Submission:

GeneDx
Classification: Uncertain significance. Last evaluated: 2024-07-16. Review status: criteria provided, single submitter. Criteria: GeneDx Variant Classification Process June 2021. Collection method: clinical testing. Allele origin: germline. Affected: yes.
Comment: Not observed at significant frequency in large population cohorts (gnomAD); In silico analysis indicates that this missense variant does not alter protein structure/function; Has not been previously published as pathogenic or benign to our knowledge

NM_199334.5(THRA):c.646A>G (p.Ser216Gly)

Gene: THRA (thyroid hormone receptor alpha; plus strand). Cytogenetic location: 17q21.1.
Variant type: single nucleotide variant.
Coding change: c.646A>G on transcript NM_199334.5 (MANE Select); coding-DNA position 646, A replaced by G.
Protein change: p.Ser216Gly; replaces serine 216 with glycine.
Molecular consequence: missense variant.
Genome position (GRCh38, 1-based): chr17:40,086,776, A>G. VCF-style: chr17-40086776-A-G. GRCh37 (hg19) VCF-style: chr17-38243029-A-G.
Other names: c.646A>G, p.Ser216Gly (NM_001190918.2, NM_001190919.2, NM_003250.6); short protein forms S216G.
Identifiers: ClinVar variation 3573838 (VCV003573838.1).